The following is an entry in ClinVar:

NM_030973.4(MED25):c.508G>A (p.Val170Met)

Gene: MED25 (mediator complex subunit 25; plus strand). Cytogenetic location: 19q13.33.
Variant type: single nucleotide variant.
Coding change: c.508G>A on transcript NM_030973.4 (MANE Select); coding-DNA position 508, G replaced by A.
Protein change: p.Val170Met; replaces valine 170 with methionine.
Molecular consequence: missense variant.
Genome position (GRCh38, 1-based): chr19:49,829,073, G>A. VCF-style: chr19-49829073-G-A. GRCh37 (hg19) VCF-style: chr19-50332330-G-A.
Other names: c.508G>A, p.Val170Met (NM_001378355.1); short protein forms V170M.
Identifiers: ClinVar variation 945965 (VCV000945965.10), dbSNP rs561534872, ClinGen allele CA9584874.

ClinVar aggregate classification (germline): Uncertain significance (1 of 4 stars; one submission).

Conditions:
Charcot-Marie-Tooth disease type 2. Also called: Charcot-Marie-Tooth type 2. Identifiers: Orphanet 64746, MedGen C0270914, MONDO:0018993.

Allele frequency attached by ClinVar (database versions not stated): TOPMed 0.00001; gnomAD 0.00002 and 0.00001; gnomAD exomes 0.00002 and 0.00006; 1000 Genomes Project 30x 0.00031; ExAC 0.00008; 1000 Genomes Project 0.00040.
gnomAD v4.1: 32 of 1,613,942 alleles (0.002%); highest among the groups gnomAD compares: South Asian, 0.029%; no homozygotes.

Submission:

Labcorp Genetics (formerly Invitae), Labcorp
Classification: Uncertain significance for Charcot-Marie-Tooth disease type 2. Last evaluated: 2021-05-09. Review status: criteria provided, single submitter. Criteria: Invitae Variant Classification Sherloc (09022015). Collection method: clinical testing. Allele origin: germline.
Comment: This variant has not been reported in the literature in individuals with MED25-related conditions. This variant is present in population databases (rs561534872, ExAC 0.06%). This sequence change replaces valine with methionine at codon 170 of the MED25 protein (p.Val170Met). The valine residue is highly conserved and there is a small physicochemical difference between valine and methionine. Algorithms developed to predict the effect of missense changes on protein structure and function are either unavailable or do not agree on the potential impact of this missense change (SIFT: "Deleterious"; PolyPhen-2: "Probably Damaging"; Align-GVGD: "Class C0"). In summary, the available evidence is currently insufficient to determine the role of this variant in disease. Therefore, it has been classified as a Variant of Uncertain Significance.